The following is an entry in ClinVar:

ClinVar aggregate classification (germline): Uncertain significance (1 of 4 stars; one submission).

Conditions:
Myofibrillar myopathy 6. Identifiers: Orphanet 199340, MedGen C2751831, MONDO:0013061, OMIM 612954.
Dilated cardiomyopathy 1HH (CMD1HH). Identifiers: Orphanet 154, MedGen C3151293, MONDO:0013479, OMIM 613881.

Allele frequency attached by ClinVar (database versions not stated): gnomAD exomes below 0.00001; TOPMed below 0.00001; gnomAD 0.00001.

Submission:

Labcorp Genetics (formerly Invitae), Labcorp
Classification: Uncertain significance for Dilated cardiomyopathy 1HH; Myofibrillar myopathy 6. Last evaluated: 2025-07-27. Review status: criteria provided, single submitter. Criteria: Invitae Variant Classification Sherloc (09022015). Collection method: clinical testing. Allele origin: germline.
Comment: This sequence change replaces glutamic acid, which is acidic and polar, with glycine, which is neutral and non-polar, at codon 543 of the BAG3 protein (p.Glu543Gly). This variant is not present in population databases (gnomAD no frequency). This variant has not been reported in the literature in individuals affected with BAG3-related conditions. ClinVar contains an entry for this variant (Variation ID: 2934063). Invitae Evidence Modeling of protein sequence and biophysical properties (such as structural, functional, and spatial information, amino acid conservation, physicochemical variation, residue mobility, and thermodynamic stability) indicates that this missense variant is not expected to disrupt BAG3 protein function with a negative predictive value of 80%. In summary, the available evidence is currently insufficient to determine the role of this variant in disease. Therefore, it has been classified as a Variant of Uncertain Significance.

NM_004281.4(BAG3):c.1628A>G (p.Glu543Gly)

Gene: BAG3 (BAG cochaperone 3; plus strand). Cytogenetic location: 10q26.11.
Variant type: single nucleotide variant.
Coding change: c.1628A>G on transcript NM_004281.4 (MANE Select); coding-DNA position 1628, A replaced by G.
Protein change: p.Glu543Gly; replaces glutamic acid 543 with glycine.
Molecular consequence: missense variant.
Genome position (GRCh38, 1-based): chr10:119,677,182, A>G. VCF-style: chr10-119677182-A-G. GRCh37 (hg19) VCF-style: chr10-121436694-A-G.
Other names: short protein forms E543G.
Identifiers: ClinVar variation 2934063 (VCV002934063.3), dbSNP rs1335978812, ClinGen allele CA378297734.